The following is an entry in ClinVar:

ClinVar aggregate classification (germline): Uncertain significance. Review status: criteria provided, multiple submitters, no conflicts (2 of 4 stars). 3 submissions from 3 submitters: Uncertain significance (2). 1 of the submissions does not count toward it. Last evaluated 2022-10-04.

Conditions:
Hereditary breast ovarian cancer syndrome. Also called: Hereditary breast and ovarian cancer; Hereditary breast and ovarian cancer syndrome (HBOC); Hereditary breast and/or ovarian cancer syndrome; Breast and ovarian cancer; Hereditary breast and ovarian cancer syndrome; BRCA1- and BRCA2-Associated Hereditary Breast and Ovarian Cancer. Identifiers: Orphanet 145, MedGen C0677776, MeSH D061325, MONDO:0003582. Disease mechanism: loss of function.
Breast-ovarian cancer, familial, susceptibility to, 2 (BROVCA2). Also called: BRCA2 Hereditary Breast and Ovarian Cancer. Identifiers: Orphanet 145, MedGen C2675520, MONDO:0012933, OMIM 612555. Disease mechanism: loss of function.

Allele frequency attached by ClinVar (database versions not stated): gnomAD 0.00001.
gnomAD v4.1: 1 of 1,613,836 alleles (0.000062%); highest among the groups gnomAD compares: Non-Finnish European, 0.000085%; no homozygotes.

Submissions (3):

Labcorp Genetics (formerly Invitae), Labcorp
Classification: Uncertain significance for Hereditary breast ovarian cancer syndrome. Last evaluated: 2022-10-04. Review status: criteria provided, single submitter. Criteria: Invitae Variant Classification Sherloc (09022015). Collection method: clinical testing. Allele origin: germline.
Comment: This sequence change replaces proline, which is neutral and non-polar, with arginine, which is basic and polar, at codon 2767 of the BRCA2 protein (p.Pro2767Arg). The frequency data for this variant in the population databases is considered unreliable, as metrics indicate poor data quality at this position in the gnomAD database. This variant has not been reported in the literature in individuals affected with BRCA2-related conditions. ClinVar contains an entry for this variant (Variation ID: 38150). Algorithms developed to predict the effect of missense changes on protein structure and function (SIFT, PolyPhen-2, Align-GVGD) all suggest that this variant is likely to be disruptive. In summary, the available evidence is currently insufficient to determine the role of this variant in disease. Therefore, it has been classified as a Variant of Uncertain Significance.

Women's Health and Genetics/Laboratory Corporation of America, LabCorp
Classification: Uncertain significance. Last evaluated: 2018-10-22. Review status: criteria provided, single submitter. Criteria: LabCorp Variant Classification Summary - May 2015. Collection method: clinical testing. Allele origin: germline.
Comment: Variant summary: BRCA2 c.8300C>G (p.Pro2767Arg) results in a non-conservative amino acid change located in the BRCA2, OB1 domain of the encoded protein sequence. Five of five in-silico tools predict a damaging effect of the variant on protein function. The variant was absent in 243212 control chromosomes. c.8300C>G has been reported in the literature in one individual affected with Hereditary Breast and Ovarian Cancer without strong evidence for or against causality. Thus, this report does not provide unequivocal conclusions about association of the variant with Hereditary Breast and Ovarian Cancer. To our knowledge, no experimental evidence demonstrating an impact on protein function has been reported. No clinical diagnostic laboratories have submitted clinical-significance assessments for this variant to ClinVar after 2014. Based on the evidence outlined above, the variant was classified as uncertain significance.

Sharing Clinical Reports Project (SCRP)
Classification: Uncertain significance for Breast-ovarian cancer, familial 2. Last evaluated: 2009-03-24. Review status: no assertion criteria provided. Collection method: clinical testing. Allele origin: germline. Not counted in ClinVar's aggregate classification.

Literature cited by the submitters: PubMed 20858050 (cited by Women's Health and Genetics/Laboratory Corporation of America, LabCorp).

NM_000059.4(BRCA2):c.8300C>G (p.Pro2767Arg)

Gene: BRCA2 (BRCA2 DNA repair associated; plus strand). Cytogenetic location: 13q13.1.
Variant type: single nucleotide variant.
Coding change: c.8300C>G on transcript NM_000059.4 (MANE Select); coding-DNA position 8300, C replaced by G.
Protein change: p.Pro2767Arg; replaces proline 2767 with arginine.
Molecular consequence: missense variant.
Genome position (GRCh38, 1-based): chr13:32,363,502, C>G. VCF-style: chr13-32363502-C-G. GRCh37 (hg19) VCF-style: chr13-32937639-C-G.
Other names: 8528C>G; short protein forms P2767R.
Identifiers: ClinVar variation 38150 (VCV000038150.11), dbSNP rs397507401, ClinGen allele CA025558.